The following is an entry in ClinVar:

NM_000548.5(TSC2):c.1061_1119+22dup

Gene: TSC2 (TSC complex subunit 2; plus strand). Cytogenetic location: 16p13.3.
Variant type: Duplication.
Coding change: c.1061_1119+22dup on transcript NM_000548.5 (MANE Select); coding-DNA position 1061 through 22 bases into the intron after coding-DNA position 1119, 81 bases duplicated.
Molecular consequence: splice donor variant.
Genome position (GRCh38, 1-based): chr16:2,060,755-2,060,835, 81 bases duplicated. GRCh37 (hg19): chr16:2,110,756-2,110,836.
Other names: c.1061_1119+22dup (NM_001114382.3, NM_021055.3, NM_001370405.1 and 3 more transcripts); c.950_1008+22dup (NM_001318827.2); c.461_519+22dup (NM_001318831.2); c.914_972+22dup (NM_001318829.2); c.1094_1152+22dup (NM_001318832.2); c.1061_1119+22dup81 (NM_000548.5).
Identifiers: ClinVar variation 1780231 (VCV001780231.7), dbSNP rs2548521595, ClinGen allele CA620704731.

ClinVar aggregate classification (germline): Uncertain significance. Review status: criteria provided, multiple submitters, no conflicts (2 of 4 stars). 4 submissions from 4 submitters: Uncertain significance (4). Last evaluated 2025-12-23.

Conditions:
Hereditary cancer-predisposing syndrome. Also called: Tumor predisposition; Neoplastic Syndromes, Hereditary; Hereditary Cancer Syndrome; Hereditary neoplastic syndrome. Identifiers: Orphanet 140162, MedGen C0027672, MeSH D009386, MONDO:0015356.
Tuberous sclerosis 2 (TSC2). Identifiers: Orphanet 805, MedGen C1860707, MONDO:0013199, OMIM 613254.
Tuberous sclerosis syndrome (TSC). Also called: Tuberous Sclerosis Complex; Tuberous sclerosis. Identifiers: Orphanet 805, MedGen C0041341, MONDO:0001734.

Submissions (4):

Labcorp Genetics (formerly Invitae), Labcorp
Classification: Uncertain significance for Tuberous sclerosis 2. Last evaluated: 2025-12-23. Review status: criteria provided, single submitter. Criteria: Invitae Variant Classification Sherloc (09022015). Collection method: clinical testing. Allele origin: germline.
Comment: This sequence change falls in intron 11 of the TSC2 gene. It does not directly change the encoded amino acid sequence of the TSC2 protein. This variant is not present in population databases (gnomAD no frequency). This variant has not been reported in the literature in individuals affected with TSC2-related conditions. ClinVar contains an entry for this variant (Variation ID: 1780231). Experimental studies and prediction algorithms are not available or were not evaluated, and the effect of this variant on mRNA splicing is currently unknown. In summary, the available evidence is currently insufficient to determine the role of this variant in disease. Therefore, it has been classified as a Variant of Uncertain Significance.

Women's Health and Genetics/Laboratory Corporation of America, LabCorp
Classification: Uncertain significance. Last evaluated: 2024-09-26. Review status: criteria provided, single submitter. Criteria: LabCorp Variant Classification Summary - May 2015. Collection method: clinical testing. Allele origin: germline.
Comment: Variant summary: TSC2 c.1061_1119+22dup81 results in a large duplication overlapping a splice site. Several computational tools predict a significant impact on normal splicing: four predict the variant creates a 5' donor site (81 nucleotide downstream from the original site, which, if utilized for splicing, would result in an in-frame duplication of 27 amino acids at the protein level). However, these predictions have yet to be confirmed by functional studies. The variant allele was found at a frequency of 1.2e-06 in 1607038 control chromosomes in the gnomAD database (v4.1 dataset). The available data on variant occurrences in the general population are insufficient to allow any conclusion about variant significance. To our knowledge, no occurrence of c.1061_1119+22dup81 in individuals affected with Tuberous Sclerosis Complex and no experimental evidence demonstrating its impact on protein function have been reported. ClinVar contains an entry for this variant (Variation ID: 1780231). Based on the evidence outlined above, the variant was classified as uncertain significance.

Ambry Genetics
Classification: Uncertain significance for Hereditary cancer-predisposing syndrome. Last evaluated: 2024-09-24. Review status: criteria provided, single submitter. Criteria: Ambry Variant Classification Scheme 2023. Collection method: clinical testing. Allele origin: germline.
Comment: The c.1061_1119+22dup81 gross duplication includes at least a portion of coding exon 10 of the TSC2 gene and involves the canonical splice donor site after coding exon 10 of the TSC2 gene. The canonical splice donor site is highly conserved in available vertebrate species. In silico splice site analysis predicts that this alteration may result in the creation or strengthening of a novel splice donor site, however, direct evidence is insufficient at this time (Ambry internal data). Alterations that disrupt the canonical splice site are expected to result in aberrant splicing; however, the resulting transcript is predicted to be in-frame and is not expected to trigger nonsense-mediated mRNAdecay. This duplication has been confirmed in tandem in at least one individual. The exact functional effect of the altered amino acid sequence is unknown. Since supporting evidence is limited at this time, the clinical significance of this alteration remains unclear.

All of Us Research Program, National Institutes of Health
Classification: Uncertain significance for Tuberous sclerosis syndrome. Last evaluated: 2023-11-30. Review status: criteria provided, single submitter. Criteria: ACMG Guidelines, 2015. Collection method: clinical testing. Allele origin: germline. Inheritance: Autosomal dominant inheritance. Observed: 2 variant alleles, 2 heterozygotes.
Comment: This study involves interpretation of variants in research participants for the purpose of population health screening. Participant phenotype was not available at the time of variant classification. Additional details can be found in publication PMID: 35346344, PMCID: PMC8962531